The following is an entry in ClinVar:

ClinVar aggregate classification (germline): Uncertain significance (1 of 4 stars; one submission).

gnomAD v4.1: 1 of 1,614,188 alleles (0.000062%); highest among the groups gnomAD compares: Non-Finnish European, 0.000085%; no homozygotes.

Submission:

Labcorp Genetics (formerly Invitae), Labcorp
Classification: Uncertain significance. Last evaluated: 2025-03-28. Review status: criteria provided, single submitter. Criteria: Invitae Variant Classification Sherloc (09022015). Collection method: clinical testing. Allele origin: germline.
Comment: This sequence change replaces tryptophan, which is neutral and slightly polar, with cysteine, which is neutral and slightly polar, at codon 202 of the SHPK protein (p.Trp202Cys). This variant is not present in population databases (gnomAD no frequency). This variant has not been reported in the literature in individuals affected with SHPK-related conditions. An algorithm developed to predict the effect of missense changes on protein structure and function (PolyPhen-2) suggests that this variant is likely to be disruptive. In summary, the available evidence is currently insufficient to determine the role of this variant in disease. Therefore, it has been classified as a Variant of Uncertain Significance.

NM_013276.4(SHPK):c.606G>T (p.Trp202Cys)

Gene: SHPK (sedoheptulokinase; minus strand). Cytogenetic location: 17p13.2.
Variant type: single nucleotide variant.
Coding change: c.606G>T on transcript NM_013276.4 (MANE Select); coding-DNA position 606, G replaced by T.
Protein change: p.Trp202Cys; replaces tryptophan 202 with cysteine.
Molecular consequence: missense variant.
Genome position (GRCh38, 1-based): chr17:3,623,380, C>A on the plus strand (G>T on the coding strand, the complement: SHPK is on the minus strand). VCF-style: chr17-3623380-C-A. GRCh37 (hg19) VCF-style: chr17-3526674-C-A.
Other names: short protein forms W202C.
Identifiers: ClinVar variation 4812312 (VCV004812312.1).